The following is an entry in ClinVar:

NM_001015877.2(PHF6):c.181dup (p.Ser61fs)

Gene: PHF6 (PHD finger protein 6; plus strand). Cytogenetic location: Xq26.2.
Variant type: Duplication.
Coding change: c.181dup on transcript NM_001015877.2 (MANE Select); coding-DNA position 181, one base duplicated (A; older notation c.181dupA).
Protein change: p.Ser61fs; shifts the reading frame from serine 61.
Molecular consequence: frameshift variant.
Genome position (GRCh38, 1-based): chrX:134,378,047, A duplicated; the last of 3 consecutive A bases (chrX:134,378,045-134,378,047); duplicating any one gives the same sequence. VCF-style (leftmost placement, unchanged base first): chrX-134378044-G-GA. GRCh37 (hg19) VCF-style: chrX-133512074-G-GA.
Other names: c.181dup, p.Ser61fs (NM_032335.3, NM_032458.3); short protein forms S61fs.
Identifiers: ClinVar variation 4795937 (VCV004795937.1).

ClinVar aggregate classification (germline): Pathogenic (1 of 4 stars; one submission).

Conditions:
Borjeson-Forssman-Lehmann syndrome (BFLS). Also called: MENTAL RETARDATION, X-LINKED, SYNDROMIC, BORJESON-FORSSMAN-LEHMANN TYPE; MENTAL RETARDATION, EPILEPSY, AND ENDOCRINE DISORDERS; BORJESON SYNDROME. Identifiers: Orphanet 127, MedGen C0265339, MONDO:0010537, OMIM 301900.

Submission:

Variantyx, Inc.
Classification: Pathogenic for Borjeson-Forssman-Lehmann syndrome. Last evaluated: 2025-11-18. Review status: criteria provided, single submitter. Criteria: Variantyx Assertion Criteria 2022. Collection method: clinical testing. Allele origin: maternal. Inheritance: X-linked recessive inheritance.
Comment: This is a frameshift variant in the PHF6 gene (OMIM: 300414). Pathogenic variants in this gene have been associated with X-linked Borjeson-Forssman-Lehmann syndrome. This variant introduces a premature termination codon in exon 3 out of 11 and is expected to result in loss of function, which is a known disease mechanism for PHF6 in this disorder (PMID: 12415272, 19161141, 12676923) (PVS1). This variant is absent from control populations (PM2). Based on the current evidence, this variant is classified as pathogenic for X-linked Borjeson-Forssman-Lehmann syndrome.

Literature cited by the submitters: PubMed 12415272; PubMed 19161141; PubMed 12676923.